The following is an entry in ClinVar:

NM_001376013.1(EPB41):c.2030A>G (p.Glu677Gly)

Gene: EPB41 (erythrocyte membrane protein band 4.1; plus strand). Cytogenetic location: 1p35.3.
Variant type: single nucleotide variant.
Coding change: c.2030A>G on transcript NM_001376013.1 (MANE Select); coding-DNA position 2030, A replaced by G.
Protein change: p.Glu677Gly; replaces glutamic acid 677 with glycine.
Molecular consequence: missense variant.
Genome position (GRCh38, 1-based): chr1:29,065,004, A>G. VCF-style: chr1-29065004-A-G. GRCh37 (hg19) VCF-style: chr1-29391516-A-G.
Other names: c.2030A>G, p.Glu677Gly (NM_001166005.2, NM_001376016.1, NM_001376017.1 and 1 more transcripts); c.1988A>G, p.Glu663Gly (NM_001166006.2); c.1241A>G, p.Glu414Gly (NM_001166007.2, NM_001376027.1); c.1925A>G, p.Glu642Gly (NM_001376014.1, NM_001376015.1); c.2027A>G, p.Glu676Gly (NM_001376018.1, NM_001376020.1); c.1868A>G, p.Glu623Gly (NM_001376021.1); c.1403A>G, p.Glu468Gly (NM_001376022.1, NM_001376023.1, NM_001376024.1 and 1 more transcripts); c.1295A>G, p.Glu432Gly (NM_001376026.1); and 4 more; short protein forms E413G, E432G, E468G, E642G, E414G, E435G, E588G, E623G.
Identifiers: ClinVar variation 1938054 (VCV001938054.6), dbSNP rs777888291, ClinGen allele CA724717.

ClinVar aggregate classification (germline): Uncertain significance. Review status: criteria provided, multiple submitters, no conflicts (2 of 4 stars). 2 submissions from 2 submitters: Uncertain significance (2). Last evaluated 2022-08-26.

Conditions:
Inborn genetic diseases. Identifiers: MedGen C0950123, MeSH D030342.

Allele frequency attached by ClinVar (database versions not stated): gnomAD 0.00003; gnomAD exomes 0.00004; ExAC 0.00009.
gnomAD v4.1: 65 of 1,614,032 alleles (0.004%); highest among the groups gnomAD compares: South Asian, 0.069%; 1 homozygote.

Submissions (2):

Ambry Genetics
Classification: Uncertain significance for Inborn genetic diseases. Last evaluated: 2022-08-26. Review status: criteria provided, single submitter. Criteria: Ambry Variant Classification Scheme 2023. Collection method: clinical testing. Allele origin: germline.

Labcorp Genetics (formerly Invitae), Labcorp
Classification: Uncertain significance. Last evaluated: 2022-03-13. Review status: criteria provided, single submitter. Criteria: Invitae Variant Classification Sherloc (09022015). Collection method: clinical testing. Allele origin: germline.
Comment: This variant is present in population databases (rs777888291, gnomAD 0.06%). In summary, the available evidence is currently insufficient to determine the role of this variant in disease. Therefore, it has been classified as a Variant of Uncertain Significance. Algorithms developed to predict the effect of missense changes on protein structure and function are either unavailable or do not agree on the potential impact of this missense change (SIFT: "Deleterious"; PolyPhen-2: "Benign"; Align-GVGD: "Class C35"). This variant has not been reported in the literature in individuals affected with EPB41-related conditions. This sequence change replaces glutamic acid, which is acidic and polar, with glycine, which is neutral and non-polar, at codon 435 of the EPB41 protein (p.Glu435Gly).